The following is an entry in ClinVar:

ClinVar aggregate classification (germline): Likely pathogenic (1 of 4 stars; one submission).

Conditions:
Orofaciodigital syndrome type 14. Also called: Orofaciodigital syndrome xiv. Identifiers: Orphanet 434179, MedGen C4706604, MONDO:0014413, OMIM 615948.

Submission:

Women's Health and Genetics/Laboratory Corporation of America, LabCorp
Classification: Likely pathogenic for Orofaciodigital syndrome type 14. Last evaluated: 2024-02-09. Review status: criteria provided, single submitter. Criteria: LabCorp Variant Classification Summary - May 2015. Collection method: clinical testing. Allele origin: germline.
Comment: Variant summary: C2CD3 c.2_9delTGAAACAA (p.Met1?) alters the initiation codon and is predicted to result either in absence of the protein or truncation of the encoded protein due to translation initiation at a downstream codon. However, the next potential in-frame start codon is located in exon 3 at Met110, and upstream from this position a missense variant (c.195G>T/p.Trp65Cys) has been reported as pathogenic in ClinVar, and multiple other variants are reported in affected individuals (HGMD), suggesting a functional importance for this protein region. The variant was absent in 251410 control chromosomes (gnomAD). To our knowledge, no occurrence of c.2_9delTGAAACAA in individuals affected with Orofaciodigital Syndrome Type 14 and no experimental evidence demonstrating its impact on protein function have been reported. No submitters have cited clinical-significance assessments for this variant to ClinVar. Based on the evidence outlined above, the variant was classified as likely pathogenic.

NM_001286577.2(C2CD3):c.2_9del (p.Met1fs)

Gene: C2CD3 (C2 domain containing 3 centriole elongation regulator; minus strand). Cytogenetic location: 11q13.4.
Variant type: Deletion.
Coding change: c.2_9del on transcript NM_001286577.2 (MANE Select); coding-DNA positions 2 to 9, 8 bases deleted (TGAAACAA; older notation c.2_9delTGAAACAA).
Protein change: p.Met1fs; shifts the reading frame from methionine 1.
Molecular consequence: frameshift variant, initiator codon variant.
Genome position (GRCh38, 1-based): chr11:74,170,784-74,170,791, TTGTTTCA deleted on the plus strand (TGAAACAA on the coding strand, the reverse complement: C2CD3 is on the minus strand); deleting any 8 consecutive bases within chr11:74,170,784-74,170,792 gives the same sequence; the c. name uses the placement nearest the transcript's 3' end. VCF-style (leftmost placement, unchanged base first): chr11-74170783-GTTGTTTCA-G. GRCh37 (hg19) VCF-style: chr11-73881828-GTTGTTTCA-G.
Other names: c.2_9del, p.Met1fs (NM_015531.6); c.2_9delTGAAACAA (NM_015531.6); short protein forms M1fs.
Identifiers: ClinVar variation 3069105 (VCV003069105.2), dbSNP rs2496722228, ClinGen allele CA2825002042.
Genomic context (GRCh38, chr11:74,170,783, plus strand): 5'-GATCGCTCAGGTTACCTCTTTTTTTGCGCCCACGGCTGCCCCCAGACCCTTGGCCTTTTC[GTTGTTTCA>G]TGATGAGCCCGAGCTCTTCTTCACCAGCTCAACTCCGTCTCCAGCACCTAAGCAGTATCC-3'